The following is an entry in ClinVar:

ClinVar aggregate classification (germline): Benign. Review status: criteria provided, multiple submitters, no conflicts (2 of 4 stars). 2 submissions from 2 submitters: Benign (2). Last evaluated 2018-06-19.

Allele frequency attached by ClinVar (database versions not stated): 1000 Genomes Project 30x 0.41958; 1000 Genomes Project 0.42492; TOPMed 0.44491; gnomAD 0.46100 and 0.46301.
gnomAD v4.1: 499,061 of 994,336 alleles (50%); highest among the groups gnomAD compares: Non-Finnish European, 52%; 127,611 homozygotes.

Submissions (2):

GeneDx
Classification: Benign. Last evaluated: 2018-06-19. Review status: criteria provided, single submitter. Criteria: GeneDx Variant Classification (06012015). Collection method: clinical testing. Allele origin: germline. Affected: yes.
Comment: This variant is considered likely benign or benign based on one or more of the following criteria: it is a conservative change, it occurs at a poorly conserved position in the protein, it is predicted to be benign by multiple in silico algorithms, and/or has population frequency not consistent with disease.

Breakthrough Genomics
Classification: Benign. Review status: criteria provided, single submitter. Criteria: ACMG Guidelines, 2015. Collection method: not provided. Allele origin: germline. Inheritance: Autosomal recessive inheritance. Affected: yes.

NM_000235.4(LIPA):c.230-95G>C

Gene: LIPA (lipase A, lysosomal acid type; minus strand). Cytogenetic location: 10q23.31.
Variant type: single nucleotide variant.
Coding change: c.230-95G>C on transcript NM_000235.4 (MANE Select); 95 bases into the intron before coding-DNA position 230, G replaced by C.
Molecular consequence: intron variant.
Genome position (GRCh38, 1-based): chr10:89,228,493, C>G on the plus strand (G>C on the coding strand, the complement: LIPA is on the minus strand). VCF-style: chr10-89228493-C-G. GRCh37 (hg19) VCF-style: chr10-90988250-C-G.
Other names: c.-119-95G>C (NM_001288979.2); c.230-95G>C (NM_001127605.3).
Identifiers: ClinVar variation 684271 (VCV000684271.2), dbSNP rs2071509, ClinGen allele CA13198452.